The following is an entry in ClinVar:

ClinVar aggregate classification (germline): Pathogenic. Review status: criteria provided, multiple submitters, no conflicts (2 of 4 stars). 3 submissions from 3 submitters: Pathogenic (3). Last evaluated 2026-02-26.

Conditions:
Cardiovascular phenotype. Identifiers: MedGen CN230736.
Hereditary cancer-predisposing syndrome. Also called: Neoplastic Syndromes, Hereditary; Hereditary Cancer Syndrome; Tumor predisposition; Hereditary neoplastic syndrome. Identifiers: Orphanet 140162, MedGen C0027672, MeSH D009386, MONDO:0015356.
Neurofibromatosis, type 1 (NF1). Also called: NEUROFIBROMATOSIS, TYPE I, SOMATIC; VON RECKLINGHAUSEN DISEASE; Peripheral type neurofibromatosis; Neurofibromatosis, type I. Identifiers: Orphanet 636, MedGen C0027831, MONDO:0018975, OMIM 162200. Disease mechanism: loss of function.

Submissions (3):

NHS Central & South Genomic Laboratory Hub
Classification: Pathogenic for Neurofibromatosis type 1. Last evaluated: 2026-02-26. Review status: criteria provided, single submitter. Criteria: ACMG Guidelines, 2015. Collection method: clinical testing. Allele origin: germline. Affected: yes.

Labcorp Genetics (formerly Invitae), Labcorp
Classification: Pathogenic for Neurofibromatosis, type 1. Last evaluated: 2023-10-23. Review status: criteria provided, single submitter. Criteria: Invitae Variant Classification Sherloc (09022015). Collection method: clinical testing. Allele origin: germline.
Comment: This sequence change creates a premature translational stop signal (p.Tyr1587*) in the NF1 gene. It is expected to result in an absent or disrupted protein product. Loss-of-function variants in NF1 are known to be pathogenic (PMID: 10712197, 23913538). This variant is not present in population databases (gnomAD no frequency). This premature translational stop signal has been observed in individual(s) with neurofibromatosis type 1 (PMID: 34418705). ClinVar contains an entry for this variant (Variation ID: 1460057). For these reasons, this variant has been classified as Pathogenic.

Ambry Genetics
Classification: Pathogenic for Cardiovascular phenotype; Hereditary cancer-predisposing syndrome. Last evaluated: 2022-01-28. Review status: criteria provided, single submitter. Criteria: Ambry Variant Classification Scheme 2023. Collection method: clinical testing. Allele origin: germline.
Comment: The p.Y1587* pathogenic mutation (also known as c.4761T>G), located in coding exon 35 of the NF1 gene, results from a T to G substitution at nucleotide position 4761. This changes the amino acid from a tyrosine to a stop codon within coding exon 35. This alteration has been observed in at least one individual with a personal and/or family history that is consistent with NF1-related disease (Ambry internal data). This variant is considered to be rare based on population cohorts in the Genome Aggregation Database (gnomAD). Additionally, this alteration is expected to result in loss of function by premature protein truncation or nonsense-mediated mRNA decay. As such, this alteration is interpreted as a disease-causing mutation.

Literature cited by the submitters: PubMed 10712197 (cited by Labcorp Genetics (formerly Invitae), Labcorp); PubMed 23913538 (cited by Labcorp Genetics (formerly Invitae), Labcorp); PubMed 34418705 (cited by Labcorp Genetics (formerly Invitae), Labcorp).

NM_001042492.3(NF1):c.4824T>G (p.Tyr1608Ter)

Gene: NF1 (neurofibromin 1; plus strand). Cytogenetic location: 17q11.2.
Variant type: single nucleotide variant.
Coding change: c.4824T>G on transcript NM_001042492.3 (MANE Select); coding-DNA position 4824, T replaced by G.
Protein change: p.Tyr1608Ter; replaces tyrosine 1608 with a stop codon.
Molecular consequence: nonsense.
Genome position (GRCh38, 1-based): chr17:31,265,328, T>G. VCF-style: chr17-31265328-T-G. GRCh37 (hg19) VCF-style: chr17-29592346-T-G.
Other names: c.4761T>G, p.Tyr1587Ter (NM_000267.4); short protein forms Y1608*, Y1587*.
Identifiers: ClinVar variation 1460057 (VCV001460057.9), dbSNP rs1567865089, ClinGen allele CA399001373.